The following is an entry in ClinVar:

NM_005502.4(ABCA1):c.5924A>G (p.Asn1975Ser)

Gene: ABCA1 (ATP binding cassette subfamily A member 1; minus strand). Cytogenetic location: 9q31.1.
Variant type: single nucleotide variant.
Coding change: c.5924A>G on transcript NM_005502.4 (MANE Select); coding-DNA position 5924, A replaced by G.
Protein change: p.Asn1975Ser; replaces asparagine 1975 with serine.
Molecular consequence: missense variant.
Genome position (GRCh38, 1-based): chr9:104,790,925, T>C on the plus strand (A>G on the coding strand, the complement: ABCA1 is on the minus strand). VCF-style: chr9-104790925-T-C. GRCh37 (hg19) VCF-style: chr9-107553206-T-C.
Other names: short protein forms N1975S.
Identifiers: ClinVar variation 2080200 (VCV002080200.4), dbSNP rs748663329, ClinGen allele CA374309680.

ClinVar aggregate classification (germline): Uncertain significance (1 of 4 stars; one submission).

Submission:

Labcorp Genetics (formerly Invitae), Labcorp
Classification: Uncertain significance. Last evaluated: 2022-07-19. Review status: criteria provided, single submitter. Criteria: Invitae Variant Classification Sherloc (09022015). Collection method: clinical testing. Allele origin: germline.
Comment: In summary, the available evidence is currently insufficient to determine the role of this variant in disease. Therefore, it has been classified as a Variant of Uncertain Significance. Algorithms developed to predict the effect of sequence changes on RNA splicing suggest that this variant may create or strengthen a splice site. Advanced modeling of protein sequence and biophysical properties (such as structural, functional, and spatial information, amino acid conservation, physicochemical variation, residue mobility, and thermodynamic stability) performed at Invitae indicates that this missense variant is not expected to disrupt ABCA1 protein function. This variant has not been reported in the literature in individuals affected with ABCA1-related conditions. This variant is not present in population databases (gnomAD no frequency). This sequence change replaces asparagine, which is neutral and polar, with serine, which is neutral and polar, at codon 1975 of the ABCA1 protein (p.Asn1975Ser).